The following is an entry in ClinVar:

NM_001271.4(CHD2):c.3821A>T (p.Tyr1274Phe)

Gene: CHD2 (chromodomain helicase DNA binding protein 2; plus strand). Cytogenetic location: 15q26.1.
Variant type: single nucleotide variant.
Coding change: c.3821A>T on transcript NM_001271.4 (MANE Select); coding-DNA position 3821, A replaced by T.
Protein change: p.Tyr1274Phe; replaces tyrosine 1274 with phenylalanine.
Molecular consequence: missense variant.
Genome position (GRCh38, 1-based): chr15:92,997,339, A>T. VCF-style: chr15-92997339-A-T. GRCh37 (hg19) VCF-style: chr15-93540569-A-T.
Other names: short protein forms Y1274F.
Identifiers: ClinVar variation 2804964 (VCV002804964.3), dbSNP rs2054200914, ClinGen allele CA393898566.

ClinVar aggregate classification (germline): Uncertain significance (1 of 4 stars; one submission).

Conditions:
Developmental and epileptic encephalopathy 94 (DEE94). Also called: CHD2-Related Neurodevelopmental Disorders; Epileptic encephalopathy, childhood-onset. Identifiers: Orphanet 1942, Orphanet 2382, MedGen C3809278, MONDO:0014150, OMIM 615369.

Allele frequency attached by ClinVar (database versions not stated): TOPMed below 0.00001; gnomAD 0.00001.
gnomAD v4.1: 1 of 1,613,328 alleles (0.000062%); highest among the groups gnomAD compares: Non-Finnish European, 0.000085%; no homozygotes.

Submission:

Labcorp Genetics (formerly Invitae), Labcorp
Classification: Uncertain significance for Developmental and epileptic encephalopathy 94. Last evaluated: 2023-12-07. Review status: criteria provided, single submitter. Criteria: Invitae Variant Classification Sherloc (09022015). Collection method: clinical testing. Allele origin: germline.
Comment: This sequence change replaces tyrosine, which is neutral and polar, with phenylalanine, which is neutral and non-polar, at codon 1274 of the CHD2 protein (p.Tyr1274Phe). This variant is not present in population databases (gnomAD no frequency). This variant has not been reported in the literature in individuals affected with CHD2-related conditions. Advanced modeling of protein sequence and biophysical properties (such as structural, functional, and spatial information, amino acid conservation, physicochemical variation, residue mobility, and thermodynamic stability) performed at Invitae indicates that this missense variant is not expected to disrupt CHD2 protein function with a negative predictive value of 95%. In summary, the available evidence is currently insufficient to determine the role of this variant in disease. Therefore, it has been classified as a Variant of Uncertain Significance.